The following is an entry in ClinVar:

ClinVar aggregate classification (germline): Uncertain significance (1 of 4 stars; one submission).

Conditions:
Hypertrophic cardiomyopathy 14. Identifiers: MedGen C2750467, MONDO:0013197, OMIM 613251.
Dilated cardiomyopathy 1EE (CMD1EE). Identifiers: Orphanet 154, MedGen C2750466, MONDO:0013198, OMIM 613252.
Atrial septal defect 3 (ASD3). Identifiers: Orphanet 1478, MedGen C3279790, MONDO:0013567, OMIM 614089.
Sick sinus syndrome 3, susceptibility to (SSS3). Identifiers: Orphanet 166282, MedGen C3279791, MONDO:0013568, OMIM 614090.

gnomAD v4.1: 5 of 1,614,168 alleles (0.00031%); highest among the groups gnomAD compares: Non-Finnish European, 0.00042%; no homozygotes.

Submission:

Juno Genomics, Hangzhou Juno Genomics, Inc
Classification: Uncertain significance for Sick sinus syndrome 3, susceptibility to; Atrial septal defect 3; Dilated cardiomyopathy 1EE; Hypertrophic cardiomyopathy 14. Review status: criteria provided, single submitter. Criteria: ACMG Guidelines, 2015. Collection method: clinical testing. Allele origin: germline.
Comment: Absent from controls (or at extremely low frequency if recessive) in Genome Aggregation Database.;Missense variant in a gene that has a low rate of benign missense variation.;Multiple lines of computational evidence support a deleterious effect on the gene or gene product.

NM_002471.4(MYH6):c.3007G>A (p.Glu1003Lys)

Gene: MYH6 (myosin heavy chain 6; minus strand). Cytogenetic location: 14q11.2.
Variant type: single nucleotide variant.
Coding change: c.3007G>A on transcript NM_002471.4 (MANE Select); coding-DNA position 3007, G replaced by A.
Protein change: p.Glu1003Lys; replaces glutamic acid 1003 with lysine.
Molecular consequence: missense variant.
Genome position (GRCh38, 1-based): chr14:23,393,440, C>T on the plus strand (G>A on the coding strand, the complement: MYH6 is on the minus strand). VCF-style: chr14-23393440-C-T. GRCh37 (hg19) VCF-style: chr14-23862649-C-T.
Other names: short protein forms E1003K.
Identifiers: ClinVar variation 5005308 (VCV005005308.2).